The following is an entry in ClinVar:

NM_006947.4(SRP72):c.1420T>C (p.Trp474Arg)

Gene: SRP72 (signal recognition particle 72; plus strand). Cytogenetic location: 4q12.
Variant type: single nucleotide variant.
Coding change: c.1420T>C on transcript NM_006947.4 (MANE Select); coding-DNA position 1420, T replaced by C.
Protein change: p.Trp474Arg; replaces tryptophan 474 with arginine.
Molecular consequence: missense variant. On other transcripts: non-coding transcript variant (1).
Genome position (GRCh38, 1-based): chr4:56,490,432, T>C. VCF-style: chr4-56490432-T-C. GRCh37 (hg19) VCF-style: chr4-57356598-T-C.
Other names: c.1237T>C, p.Trp413Arg (NM_001267722.2); short protein forms W474R, W413R.
Identifiers: ClinVar variation 3801495 (VCV003801495.1).

ClinVar aggregate classification (germline): Uncertain significance (1 of 4 stars; one submission).

Submission:

Ambry Genetics
Classification: Uncertain significance. Last evaluated: 2025-02-18. Review status: criteria provided, single submitter. Criteria: Ambry Variant Classification Scheme 2023. Collection method: clinical testing. Allele origin: germline.
Comment: The p.W474R variant (also known as c.1420T>C), located in coding exon 14 of the SRP72 gene, results from a T to C substitution at nucleotide position 1420. The tryptophan at codon 474 is replaced by arginine, an amino acid with dissimilar properties. This amino acid position is conserved. In addition, the in silico prediction for this alteration is inconclusive. Based on the available evidence, the clinical significance of this variant remains unclear.